The following is an entry in ClinVar:

NM_033380.3(COL4A5):c.3251A>C (p.Glu1084Ala)

Gene: COL4A5 (collagen type IV alpha 5 chain; plus strand). Cytogenetic location: Xq22.3.
Variant type: single nucleotide variant.
Coding change: c.3251A>C on transcript NM_033380.3 (MANE Select); coding-DNA position 3251, A replaced by C.
Protein change: p.Glu1084Ala; replaces glutamic acid 1084 with alanine.
Molecular consequence: missense variant.
Genome position (GRCh38, 1-based): chrX:108,655,335, A>C. VCF-style: chrX-108655335-A-C. GRCh37 (hg19) VCF-style: chrX-107898565-A-C.
Other names: c.3251A>C (NM_000495.3, NM_033380.1); c.3251A>C, p.Glu1084Ala (NM_000495.5); short protein forms E1084A.
Identifiers: ClinVar variation 767017 (VCV000767017.20), dbSNP rs146873772, ClinGen allele CA10489083.
Genomic context (GRCh38, chrX:108,655,335, plus strand): 5'-TATACAATCTAAGTCGTGTAGAGACTTCAGTATTATCTTTTTATTCGTGTTTTCAGGGTG[A>C]GCCTGGTCTGCCTGGATACCCAGGGAACCCTGGTATCAAAGGTTCTGTGGGAGATCCTGG-3'
Protein context (NP_203699.1, residues 1074-1094): GLPGLPGPKG[Glu1084Ala]PGLPGYPGNP

ClinVar aggregate classification (germline): Conflicting classifications of pathogenicity. Review status: criteria provided, conflicting classifications (1 of 4 stars). 7 submissions from 7 submitters: Uncertain significance (3); Benign (1); Likely benign (1). 2 of the submissions do not count toward it. Last evaluated 2026-07-28.

Conditions:
Inborn genetic diseases. Identifiers: MedGen C0950123, MeSH D030342.
COL4A5-related disorder. Also called: COL4A5-related condition.
X-linked Alport syndrome (ATS1). Also called: NEPHROPATHY AND DEAFNESS, X-LINKED; COL4A5-Related Nephropathy. Identifiers: Orphanet 63, Orphanet 88917, MedGen C4746986, MONDO:0010520, OMIM 301050.
Hearing impairment. Also called: Impaired Hearing. Identifiers: MedGen C1384666, MONDO:0005365, HP:0000365.

Allele frequency attached by ClinVar (database versions not stated): gnomAD 0.00013; TOPMed 0.00018; gnomAD exomes 0.00024 and 0.00038; ESP Exome Variant Server 0.00028; ExAC 0.00051.
gnomAD v4.1: 280 of 1,208,291 alleles (0.023%); highest among the groups gnomAD compares: Non-Finnish European, 0.024%; no homozygotes.

Submissions (7):

GeneDx
Classification: Uncertain significance. Last evaluated: 2026-07-28. Review status: criteria provided, single submitter. Criteria: GeneDx Variant Classification Process June 2021. Collection method: clinical testing. Allele origin: germline.
Comment: Reported hemizygous in a patient with hearing loss in published literature (PMID: 34753855); however, additional clinical information was not provided; In silico analysis supports that this missense variant has a deleterious effect on protein structure/function; Occurs in the triple helical domain at the X position in the canonical Gly-X-Y repeat; although this variant may have an effect on normal protein folding and function, missense substitution at the X position is not a common mechanism of disease; This variant is associated with the following publications: (PMID: 34753855)

Labcorp Genetics (formerly Invitae), Labcorp
Classification: Benign. Last evaluated: 2026-01-26. Review status: criteria provided, single submitter. Criteria: Invitae Variant Classification Sherloc (09022015). Collection method: clinical testing. Allele origin: germline.

Blueprint Genetics
Classification: Likely benign. Last evaluated: 2024-11-20. Review status: criteria provided, single submitter. Criteria: ACMG Guidelines, 2015. Collection method: clinical testing. Allele origin: germline.

Ambry Genetics
Classification: Uncertain significance for Inborn genetic diseases. Last evaluated: 2022-04-06. Review status: criteria provided, single submitter. Criteria: Ambry Variant Classification Scheme 2023. Collection method: clinical testing. Allele origin: germline.

Department of Otolaryngology – Head & Neck Surgery, Cochlear Implant Center
Classification: Uncertain significance for Hearing impairment. Last evaluated: 2021-04-12. Review status: criteria provided, single submitter. Criteria: ClinGen HL ACMG Specifications v1. Collection method: clinical testing. Allele origin: germline. Affected: yes.
Comment: PP2_Supporting, PP3_Supporting, BS2_Strong

PreventionGenetics, part of Exact Sciences
Classification: Likely benign for COL4A5-related condition. Last evaluated: 2023-09-27. Review status: no assertion criteria provided. Collection method: clinical testing. Allele origin: germline. Not counted in ClinVar's aggregate classification.
Comment: This variant is classified as likely benign based on ACMG/AMP sequence variant interpretation guidelines (Richards et al. 2015 PMID: 25741868, with internal and published modifications).

Natera, Inc.
Classification: Likely benign for X-linked Alport syndrome. Last evaluated: 2020-04-11. Review status: no assertion criteria provided. Collection method: clinical testing. Allele origin: germline. Not counted in ClinVar's aggregate classification.